The following is an entry in ClinVar:

NM_015335.5(MED13L):c.889_890del (p.Ser297fs)

Gene: MED13L (mediator complex subunit 13L; minus strand). Cytogenetic location: 12q24.21.
Variant type: Microsatellite.
Coding change: c.889_890del on transcript NM_015335.5 (MANE Select); coding-DNA positions 889 to 890, 2 bases deleted (AG; older notation c.889_890delAG).
Protein change: p.Ser297fs; shifts the reading frame from serine 297.
Molecular consequence: frameshift variant.
Genome position (GRCh38, 1-based): chr12:116,019,343-116,019,344, CT deleted on the plus strand (AG on the coding strand, the reverse complement: MED13L is on the minus strand); deleting any 2 consecutive bases within chr12:116,019,343-116,019,346 gives the same sequence; the c. name uses the placement nearest the transcript's 3' end. VCF-style (leftmost placement, unchanged base first): chr12-116019342-ACT-A. GRCh37 (hg19) VCF-style: chr12-116457147-ACT-A.
Other names: short protein forms S297fs.
Identifiers: ClinVar variation 2444237 (VCV002444237.1), dbSNP rs2499943809, ClinGen allele CA2580614576.

ClinVar aggregate classification (germline): Likely pathogenic (1 of 4 stars; one submission).

Conditions:
Cardiac anomalies - developmental delay - facial dysmorphism syndrome (MRFACD). Also called: Impaired intellectual development and distinctive facial features with or without cardiac defects; MED13L Syndrome. Identifiers: Orphanet 369891, MedGen C5192431, MONDO:0014773, OMIM 616789.

Submission:

3billion
Classification: Likely pathogenic for Cardiac anomalies - developmental delay - facial dysmorphism syndrome. Last evaluated: 2023-02-23. Review status: criteria provided, single submitter. Criteria: ACMG Guidelines, 2015. Collection method: clinical testing. Allele origin: unknown. Affected: yes.
Comment: The variant is not observed in the gnomAD v2.1.1 dataset. This variant was predicted to result in a loss or disruption of normal protein function through nonsense-mediated decay (NMD) or protein truncation. Multiple pathogenic variants are reported downstream of the variant. Therefore, this variant is classified as Likely pathogenic according to the recommendation of ACMG/AMP guideline.